The following is an entry in ClinVar:

ClinVar aggregate classification (germline): Uncertain significance. Review status: criteria provided, multiple submitters, no conflicts (2 of 4 stars). 3 submissions from 3 submitters: Uncertain significance (3). Last evaluated 2024-10-30.

Submissions (3):

Labcorp Genetics (formerly Invitae), Labcorp
Classification: Uncertain significance. Last evaluated: 2024-10-30. Review status: criteria provided, single submitter. Criteria: Invitae Variant Classification Sherloc (09022015). Collection method: clinical testing. Allele origin: germline.
Comment: This sequence change falls in intron 26 of the COL9A3 gene. It does not directly change the encoded amino acid sequence of the COL9A3 protein. This variant is present in population databases (rs751665842, gnomAD 0.007%). This variant has not been reported in the literature in individuals affected with COL9A3-related conditions. ClinVar contains an entry for this variant (Variation ID: 1684123). Algorithms developed to predict the effect of sequence changes on RNA splicing suggest that this variant may disrupt the consensus splice site. In summary, the available evidence is currently insufficient to determine the role of this variant in disease. Therefore, it has been classified as a Variant of Uncertain Significance.

Blueprint Genetics
Classification: Uncertain significance. Last evaluated: 2024-06-17. Review status: criteria provided, single submitter. Criteria: ACMG Guidelines, 2015. Collection method: clinical testing. Allele origin: germline.

GeneDx
Classification: Uncertain significance. Last evaluated: 2024-05-28. Review status: criteria provided, single submitter. Criteria: GeneDx Variant Classification Process June 2021. Collection method: clinical testing. Allele origin: germline. Affected: yes.
Comment: Not observed at significant frequency in large population cohorts (gnomAD); Has not been previously published as pathogenic or benign to our knowledge; In-silico analysis is inconclusive as to whether the variant alters gene splicing. In the absence of RNA/functional studies, the actual effect of this sequence change is unknown.

NM_001853.4(COL9A3):c.1369-9_1369-5del

Genes: COL9A3 (collagen type IX alpha 3 chain; plus strand), LOC126863084 (MED14-independent group 3 enhancer GRCh37_chr20:61467141-61468340; plus strand). Cytogenetic location: 20q13.33.
Variant type: Deletion.
Coding change: c.1369-9_1369-5del on transcript NM_001853.4 (MANE Select); 9 bases into the intron before coding-DNA position 1369 through 5 bases into the intron before coding-DNA position 1369, 5 bases deleted (TCTTC; older notation c.1369-9_1369-5delTCTTC).
Molecular consequence: intron variant.
Genome position (GRCh38, 1-based): chr20:62,835,912-62,835,916, TCTTC deleted; deleting any 5 consecutive bases within chr20:62,835,909-62,835,916 gives the same sequence; the c. name uses the placement nearest the transcript's 3' end. VCF-style (leftmost placement, unchanged base first): chr20-62835908-TTTCTC-T. GRCh37 (hg19) VCF-style: chr20-61467260-TTTCTC-T.
Identifiers: ClinVar variation 1684123 (VCV001684123.10), dbSNP rs751665842, ClinGen allele CA9949932.